The following is an entry in ClinVar:

NM_020461.4(TUBGCP6):c.1120G>T (p.Ala374Ser)

Gene: TUBGCP6 (tubulin gamma complex component 6; minus strand). Cytogenetic location: 22q13.33.
Variant type: single nucleotide variant.
Coding change: c.1120G>T on transcript NM_020461.4 (MANE Select); coding-DNA position 1120, G replaced by T.
Protein change: p.Ala374Ser; replaces alanine 374 with serine.
Molecular consequence: missense variant.
Genome position (GRCh38, 1-based): chr22:50,229,574, C>A on the plus strand (G>T on the coding strand, the complement: TUBGCP6 is on the minus strand). VCF-style: chr22-50229574-C-A. GRCh37 (hg19) VCF-style: chr22-50668003-C-A.
Other names: short protein forms A374S.
Identifiers: ClinVar variation 2098699 (VCV002098699.4), dbSNP rs766419417, ClinGen allele CA412108915.
Genomic context (GRCh38, chr22:50,229,574, plus strand): 5'-TGATGCTCTCGGGAGACGCTCCTGACACGTGGACGCCCCGCTTCACCACAAAGGCCTGGG[C>A]CGGCTGCACAGGGGCAGAGGACACTGGTCACAGAGGCCAGGCACCCAGACCCCCAGTAAG-3'
Protein context (NP_065194.3, residues 364-384): VSATFSLCQP[Ala374Ser]QAFVVKRGVH

ClinVar aggregate classification (germline): Uncertain significance (1 of 4 stars; one submission).

gnomAD v4.1: 4 of 1,588,202 alleles (0.00025%); highest among the groups gnomAD compares: Non-Finnish European, 0.00026%; no homozygotes.

Submission:

Labcorp Genetics (formerly Invitae), Labcorp
Classification: Uncertain significance. Last evaluated: 2022-03-01. Review status: criteria provided, single submitter. Criteria: Invitae Variant Classification Sherloc (09022015). Collection method: clinical testing. Allele origin: germline.
Comment: In summary, the available evidence is currently insufficient to determine the role of this variant in disease. Therefore, it has been classified as a Variant of Uncertain Significance. Algorithms developed to predict the effect of missense changes on protein structure and function output the following: SIFT: "Tolerated"; PolyPhen-2: "Possibly Damaging"; Align-GVGD: "Class C0". The serine amino acid residue is found in multiple mammalian species, which suggests that this missense change does not adversely affect protein function. This variant has not been reported in the literature in individuals affected with TUBGCP6-related conditions. This variant is not present in population databases (gnomAD no frequency). This sequence change replaces alanine, which is neutral and non-polar, with serine, which is neutral and polar, at codon 374 of the TUBGCP6 protein (p.Ala374Ser).